The following is an entry in ClinVar:

ClinVar aggregate classification (germline): Conflicting classifications of pathogenicity. Review status: criteria provided, conflicting classifications (1 of 4 stars). 14 submissions from 12 submitters: Uncertain significance (12); Benign (1); Likely benign (1). Last evaluated 2026-08-28.

Conditions:
Breast-ovarian cancer, familial, susceptibility to, 5 (BROVCA5). Identifiers: MedGen C5830615, MONDO:0957530, OMIM 620442.
PALB2-related disorder. Also called: PALB2-related disorders; PALB2-related condition.
Fanconi anemia complementation group N. Also called: PALB2-Related Fanconi Anemia. Identifiers: Orphanet 84, MedGen C1835817, MONDO:0012565, OMIM 610832. Disease mechanism: loss of function.
Pancreatic cancer, susceptibility to, 3. Identifiers: Orphanet 1333, MedGen C3150547, MONDO:0013236, OMIM 613348.
Familial cancer of breast. Also called: hereditary breast carcinoma; BREAST CANCER, FAMILIAL; Hereditary breast cancer. Identifiers: Orphanet 227535, MedGen C0346153, MONDO:0016419, OMIM 114480. Disease mechanism: loss of function.
Hereditary cancer-predisposing syndrome. Also called: Neoplastic Syndromes, Hereditary; Tumor predisposition; Hereditary Cancer Syndrome; Hereditary neoplastic syndrome. Identifiers: Orphanet 140162, MedGen C0027672, MeSH D009386, MONDO:0015356.
Retinoblastoma (RB1). Also called: RETINOBLASTOMA, SOMATIC. Identifiers: Orphanet 790, MedGen C0035335, MeSH D012175, MONDO:0008380, OMIM 180200, HP:0009919. Disease mechanism: loss of function. Inheritance: Both sporadic and heritable forms are tested..

Allele frequency attached by ClinVar (database versions not stated): gnomAD 0.00005; TOPMed 0.00006; 1000 Genomes Project 0.00020; ESP Exome Variant Server 0.00023; 1000 Genomes Project 30x 0.00031.
gnomAD v4.1: 19 of 1,614,132 alleles (0.0012%); highest among the groups gnomAD compares: African/African-American, 0.024%; no homozygotes.

Submissions (14):

PreventionGenetics, part of Exact Sciences
Classification: Uncertain significance for PALB2-related condition. Last evaluated: 2026-08-28. Review status: criteria provided, single submitter. Criteria: ACMG Guidelines, 2015. Collection method: clinical testing. Allele origin: germline.
Comment: The PALB2 c.1337A>T variant is predicted to result in the amino acid substitution p.Asp446Val. This variant has been identified in individuals with breast and prostate cancer (Table S6, Haiman et al. 2013. PubMed ID: 23555315, reported as rs146434474; Table S5, Purrington et al. 2020. PubMed ID: 32868316), and in a cohort of patients with advanced cancer (Mandelker D et al 2017. PubMed ID: 28873162). This variant is reported in 0.029% of alleles in individuals of African descent in gnomAD and has conflicting interpretations in ClinVar ranging from likely benign to uncertain (Variation ID: 216742). Although we suspect that this variant may be benign, at this time, the clinical significance of this variant is uncertain due to the absence of conclusive functional and genetic evidence.

Labcorp Genetics (formerly Invitae), Labcorp
Classification: Uncertain significance for Familial cancer of breast. Last evaluated: 2025-11-27. Review status: criteria provided, single submitter. Criteria: Invitae Variant Classification Sherloc (09022015). Collection method: clinical testing. Allele origin: germline.
Comment: This sequence change replaces aspartic acid, which is acidic and polar, with valine, which is neutral and non-polar, at codon 446 of the PALB2 protein (p.Asp446Val). This variant is present in population databases (rs146434474, gnomAD 0.03%). This missense change has been observed in individual(s) with breast cancer (PMID: 32868316). ClinVar contains an entry for this variant (Variation ID: 216742). Invitae Evidence Modeling of protein sequence and biophysical properties (such as structural, functional, and spatial information, amino acid conservation, physicochemical variation, residue mobility, and thermodynamic stability) indicates that this missense variant is not expected to disrupt PALB2 protein function with a negative predictive value of 80%. In summary, the available evidence is currently insufficient to determine the role of this variant in disease. Therefore, it has been classified as a Variant of Uncertain Significance.

St. Jude Molecular Pathology, St. Jude Children's Research Hospital
Classification: Uncertain significance for Breast-ovarian cancer, familial, susceptibility to, 5. Last evaluated: 2025-06-17. Review status: criteria provided, single submitter. Criteria: St. Jude Assertion Criteria 2020. Collection method: clinical testing. Allele origin: germline.
Comment: The PALB2 c.1337A>T p.(Asp446Val) missense change has a maximum subpopulation frequency of 0.029% in gnomAD v2.1.1. The in silico tool REVEL predicts a benign effect on protein function, but to our knowledge this prediction has not been confirmed by functional studies. To our knowledge, this variant has not been reported as pathogenic in individuals with PALB2-associated conditions. In summary, the evidence currently available is insufficient to determine the clinical significance of this variant. It has therefore been classified as of uncertain significance.

St. Jude Molecular Pathology, St. Jude Children's Research Hospital
Classification: Uncertain significance for Familial cancer of breast. Last evaluated: 2025-06-17. Review status: criteria provided, single submitter. Criteria: St. Jude Assertion Criteria 2020. Collection method: clinical testing. Allele origin: germline.
Comment: the same text as in the submission from St. Jude Molecular Pathology, St. Jude Children's Research Hospital above.

Myriad Genetics, Inc.
Classification: Benign for Familial cancer of breast. Last evaluated: 2025-04-01. Review status: criteria provided, single submitter. Criteria: Myriad Autosomal Dominant, Autosomal Recessive and X-Linked Classification Criteria (2023). Collection method: clinical testing. Allele origin: unknown.
Comment: This variant is considered benign. This variant is strongly associated with less severe personal and family histories of cancer, typical for individuals without pathogenic variants in this gene [PMID: 25085752]. This variant has been observed in trans with a known pathogenic variant in one or more individuals lacking clinical features consistent with gene-specific recessive disease.

Quest Diagnostics Nichols Institute San Juan Capistrano
Classification: Uncertain significance. Last evaluated: 2024-07-15. Review status: criteria provided, single submitter. Criteria: Quest Diagnostics criteria. Collection method: clinical testing. Allele origin: unknown.
Comment: The PALB2 c.1337A>T (p.Asp446Val) variant has been reported in the published literature in individuals with breast cancer (PMID: 23555315 (2013), 32868316 (2020)). This variant has also been identified in a cohort of individuals with prostate cancer and reportedly healthy individuals (PMID: 32832836 (2020)). The frequency of this variant in the general population, 0.00029 (7/24324 chromosomes (Genome Aggregation Database)), is uninformative in the assessment of its pathogenicity. Analysis of this variant using bioinformatics tools for the prediction of the effect of amino acid changes on protein structure and function yielded predictions that this variant is benign. Based on the available information, we are unable to determine the clinical significance of this variant.

Baylor Genetics
Classification: Uncertain significance for Familial cancer of breast. Last evaluated: 2024-02-20. Review status: criteria provided, single submitter. Criteria: ACMG Guidelines, 2015. Collection method: clinical testing. Allele origin: unknown.

Color Diagnostics, LLC DBA Color Health
Classification: Uncertain significance for Hereditary cancer-predisposing syndrome. Last evaluated: 2023-11-21. Review status: criteria provided, single submitter. Criteria: ACMG Guidelines, 2015. Collection method: clinical testing. Allele origin: germline.
Comment: This missense variant replaces aspartic acid with valine at codon 446 of the PALB2 protein. Computational prediction suggests that this variant may not impact protein structure and function. To our knowledge, functional studies have not been reported for this variant. This variant has been identified in 7/281272 chromosomes in the general population by the Genome Aggregation Database (gnomAD). The available evidence is insufficient to determine the role of this variant in disease conclusively. Therefore, this variant is classified as a Variant of Uncertain Significance.

GeneDx
Classification: Uncertain significance. Last evaluated: 2023-04-03. Review status: criteria provided, single submitter. Criteria: GeneDx Variant Classification Process June 2021. Collection method: clinical testing. Allele origin: germline. Affected: yes.
Comment: In silico analysis supports that this missense variant does not alter protein structure/function; Observed in individuals with breast cancer (Purrington et al., 2020); This variant is associated with the following publications: (PMID: 22193777, 32868316, 23555315)

Ambry Genetics
Classification: Likely benign for Hereditary cancer-predisposing syndrome. Last evaluated: 2022-02-16. Review status: criteria provided, single submitter. Criteria: Ambry Variant Classification Scheme 2023. Collection method: clinical testing. Allele origin: germline.

Sema4
Classification: Uncertain significance for Hereditary cancer-predisposing syndrome. Last evaluated: 2021-12-23. Review status: criteria provided, single submitter. Criteria: Sema4 Curation Guidelines. Collection method: curation. Allele origin: germline.
Comment: The PALB2 c.1337A>T (p.D446V) variant has been reported in at least two individuals with breast cancer and/or advanced cancer (PMID: 28873162, 32868316). It was observed in 7/24324 chromosomes of the African/African American subpopulation in the large and broad cohorts of the Genome Aggregation Database. The variant has been reported in ClinVar (Variation ID: 216742). In silico tools suggest the impact of the variant on protein function is benign, though these predictions have not been confirmed by functional studies. The evidence is insufficient to meet ACMG/AMP criteria for classifying the variant as benign or pathogenic. Thus, the clinical significance of this variant is currently uncertain.

Fulgent Genetics
Classification: Uncertain significance for Familial cancer of breast; Fanconi anemia complementation group N; Pancreatic cancer, susceptibility to, 3. Last evaluated: 2021-07-15. Review status: criteria provided, single submitter. Criteria: ACMG Guidelines, 2015. Collection method: clinical testing. Allele origin: unknown.

Women's Health and Genetics/Laboratory Corporation of America, LabCorp
Classification: Uncertain significance. Last evaluated: 2019-09-06. Review status: criteria provided, single submitter. Criteria: LabCorp Variant Classification Summary - May 2015. Collection method: clinical testing. Allele origin: germline.
Comment: Variant summary: PALB2 c.1337A>T (p.Asp446Val) results in a non-conservative amino acid change in the encoded protein sequence. Four of five in-silico tools predict a benign effect of the variant on protein function. The variant allele was found at a frequency of 2.4e-05 in 249862 control chromosomes. The available data on variant occurrences in the general population are insufficient to allow any conclusion about variant significance. To our knowledge, no occurrence of c.1337A>T in individuals affected with Breast Cancer and no experimental evidence demonstrating its impact on protein function have been reported. Five clinical diagnostic laboratories have submitted clinical-significance assessments for this variant to ClinVar after 2014 without evidence for independent evaluation. All laboratories classified the variant as uncertain significance. Based on the evidence outlined above, the variant was classified as uncertain significance.

St. Jude Molecular Pathology, St. Jude Children's Research Hospital
Classification: Uncertain significance for Retinoblastoma. Last evaluated: 2017-02-15. Review status: criteria provided, single submitter. Criteria: ACMG Guidelines, 2015. Collection method: clinical testing. Allele origin: germline. Affected: yes.

Literature cited by the submitters: PubMed 32868316 (cited by 4 submitters); PubMed 25085752 (cited by Myriad Genetics, Inc.); PubMed 23555315 (cited by Quest Diagnostics Nichols Institute San Juan Capistrano and Women's Health and Genetics/Laboratory Corporation of America, LabCorp); PubMed 32832836 (cited by 3 submitters); PubMed 28873162 (cited by Sema4).

NM_024675.4(PALB2):c.1337A>T (p.Asp446Val)

Gene: PALB2 (partner and localizer of BRCA2; minus strand). Cytogenetic location: 16p12.2.
Variant type: single nucleotide variant.
Coding change: c.1337A>T on transcript NM_024675.4 (MANE Select); coding-DNA position 1337, A replaced by T.
Protein change: p.Asp446Val; replaces aspartic acid 446 with valine.
Molecular consequence: missense variant.
Genome position (GRCh38, 1-based): chr16:23,635,209, T>A on the plus strand (A>T on the coding strand, the complement: PALB2 is on the minus strand). VCF-style: chr16-23635209-T-A. GRCh37 (hg19) VCF-style: chr16-23646530-T-A.
Other names: short protein forms D446V.
Identifiers: ClinVar variation 216742 (VCV000216742.39), dbSNP rs146434474, ClinGen allele CA339587.